The following is an entry in ClinVar:

ClinVar aggregate classification (germline): Benign/Likely benign. Review status: criteria provided, multiple submitters, no conflicts (2 of 4 stars). 5 submissions from 4 submitters: Benign (1); Likely benign (3). 1 of the submissions does not count toward it. Last evaluated 2026-02-01.

Conditions:
LAMB2-related infantile-onset nephrotic syndrome. Also called: Nephrotic Syndrome, type 5; NEPHROTIC SYNDROME, TYPE 5, WITHOUT OCULAR ABNORMALITIES; NEPHROTIC SYNDROME, TYPE 5, WITH OCULAR ABNORMALITIES. Identifiers: Orphanet 306507, MedGen C3280113, MONDO:0013621, OMIM 614199.
Pierson syndrome. Also called: MICROCORIA-CONGENITAL NEPHROTIC SYNDROME. Identifiers: Orphanet 2670, MedGen C1836876, MONDO:0012184, OMIM 609049.
LAMB2-related disorder. Also called: LAMB2-related condition.

Allele frequency attached by ClinVar (database versions not stated): 1000 Genomes Project 30x 0.00062; TOPMed 0.00148; gnomAD 0.00157 and 0.00159; ESP Exome Variant Server 0.00177; gnomAD exomes 0.00196 and 0.00262; ExAC 0.00206; 1000 Genomes Project 0.00060.
gnomAD v4.1: 4,086 of 1,613,876 alleles (0.25%); highest among the groups gnomAD compares: Non-Finnish European, 0.29%; 14 homozygotes.

Submissions (5):

Labcorp Genetics (formerly Invitae), Labcorp
Classification: Benign for LAMB2-related infantile-onset nephrotic syndrome; Pierson syndrome. Last evaluated: 2026-02-01. Review status: criteria provided, single submitter. Criteria: Invitae Variant Classification Sherloc (09022015). Collection method: clinical testing. Allele origin: germline.

CeGaT Center for Human Genetics Tuebingen
Classification: Likely benign. Last evaluated: 2025-08-01. Review status: criteria provided, single submitter. Criteria: CeGaT Center For Human Genetics Tuebingen Variant Classification Criteria Version 2. Collection method: clinical testing. Allele origin: germline. Affected: yes. Observed: 5 variant alleles.
Comment: LAMB2: BP4, BS2

Illumina Laboratory Services, Illumina
Classification: Likely benign for Pierson syndrome. Last evaluated: 2018-01-12. Review status: criteria provided, single submitter. Criteria: ICSL Variant Classification Criteria 13 December 2019. Collection method: clinical testing. Allele origin: germline.
Comment: This variant was observed in the ICSL laboratory as part of a predisposition screen in an ostensibly healthy population. It had not been previously curated by ICSL or reported in the Human Gene Mutation Database (HGMD: prior to June 1st, 2018), and was therefore a candidate for classification through an automated scoring system. Utilizing variant allele frequency, disease prevalence and penetrance estimates, and inheritance mode, an automated score was calculated to assess if this variant is too frequent to cause the disease. Based on the score and internal cut-off values, a variant classified as likely benign is not then subjected to further curation. The score for this variant resulted in a classification of likely benign for this disease.

Illumina Laboratory Services, Illumina
Classification: Likely benign for LAMB2-related infantile-onset nephrotic syndrome. Last evaluated: 2018-01-12. Review status: criteria provided, single submitter. Criteria: ICSL Variant Classification Criteria 13 December 2019. Collection method: clinical testing. Allele origin: germline.
Comment: the same text as in the submission from Illumina Laboratory Services, Illumina above.

PreventionGenetics, part of Exact Sciences
Classification: Likely benign for LAMB2-related condition. Last evaluated: 2020-07-02. Review status: no assertion criteria provided. Collection method: clinical testing. Allele origin: germline. Not counted in ClinVar's aggregate classification.
Comment: This variant is classified as likely benign based on ACMG/AMP sequence variant interpretation guidelines (Richards et al. 2015 PMID: 25741868, with internal and published modifications).

NM_002292.4(LAMB2):c.4163G>A (p.Arg1388Gln)

Gene: LAMB2 (laminin subunit beta 2; minus strand). Cytogenetic location: 3p21.31.
Variant type: single nucleotide variant.
Coding change: c.4163G>A on transcript NM_002292.4 (MANE Select); coding-DNA position 4163, G replaced by A.
Protein change: p.Arg1388Gln; replaces arginine 1388 with glutamine.
Molecular consequence: missense variant.
Genome position (GRCh38, 1-based): chr3:49,123,193, C>T on the plus strand (G>A on the coding strand, the complement: LAMB2 is on the minus strand). VCF-style: chr3-49123193-C-T. GRCh37 (hg19) VCF-style: chr3-49160626-C-T.
Other names: short protein forms R1388Q.
Identifiers: ClinVar variation 472485 (VCV000472485.56), dbSNP rs146522641, ClinGen allele CA2393857.